The following is an entry in ClinVar:

NM_006160.4(NEUROD2):c.1020C>G (p.His340Gln)

Gene: NEUROD2 (neuronal differentiation 2; minus strand). Cytogenetic location: 17q12.
Variant type: single nucleotide variant.
Coding change: c.1020C>G on transcript NM_006160.4 (MANE Select); coding-DNA position 1020, C replaced by G.
Protein change: p.His340Gln; replaces histidine 340 with glutamine.
Molecular consequence: missense variant.
Genome position (GRCh38, 1-based): chr17:39,605,580, G>C on the plus strand (C>G on the coding strand, the complement: NEUROD2 is on the minus strand). VCF-style: chr17-39605580-G-C. GRCh37 (hg19) VCF-style: chr17-37761833-G-C.
Other names: short protein forms H340Q.
Identifiers: ClinVar variation 4851450 (VCV004851450.1).

ClinVar aggregate classification (germline): Uncertain significance (1 of 4 stars; one submission).

Conditions:
Developmental and epileptic encephalopathy, 72. Also called: EPILEPTIC ENCEPHALOPATHY, EARLY INFANTILE, 72. Identifiers: MedGen C5193063, MONDO:0032710, OMIM 618374.

gnomAD v4.1: 1 of 1,613,760 alleles (0.000062%); highest among the groups gnomAD compares: Non-Finnish European, 0.000085%; no homozygotes.

Submission:

Institute of Immunology and Genetics Kaiserslautern
Classification: Uncertain significance for Developmental and epileptic encephalopathy, 72. Last evaluated: 2025-12-23. Review status: criteria provided, single submitter. Criteria: ACMG Guidelines, 2015. Collection method: clinical testing. Allele origin: germline. Affected: yes.
Comment: ACMG Criteria: PM2_P; Variant was found in a heterozygous state